The following is an entry in ClinVar:

NC_000002.11:g.(?_50723023)_(50780183_?)del

Gene: NRXN1 (neurexin 1; minus strand). Cytogenetic location: 2p16.3.
Variant type: Deletion.
Identifiers: ClinVar variation 2423805 (VCV002423805.4).

ClinVar aggregate classification (germline): Pathogenic (1 of 4 stars; one submission).

Conditions:
Pitt-Hopkins-like syndrome 2 (PTHSL2). Identifiers: Orphanet 221150, Orphanet 600663, MedGen C3280479, MONDO:0013690, OMIM 614325.

Submission:

Labcorp Genetics (formerly Invitae), Labcorp
Classification: Pathogenic for Pitt-Hopkins-like syndrome 2. Last evaluated: 2022-09-20. Review status: criteria provided, single submitter. Criteria: Invitae Variant Classification Sherloc (09022015). Collection method: clinical testing. Allele origin: germline.
Comment: For these reasons, this variant has been classified as Pathogenic. This variant has not been reported in the literature in individuals affected with NRXN1-related conditions. This variant is a gross deletion of the genomic region encompassing exon(s) 10-16 of the NRXN1 gene. This deletion is out-of-frame, and is expected to create a premature termination codon and result in an absent or disrupted protein product. Loss-of-function variants in NRXN1 are known to be pathogenic (PMID: 19896112, 21964664, 23495017, 23533028, 25149956, 30031152).

Literature cited by the submitters: PubMed 19896112; PubMed 21964664; PubMed 23495017; PubMed 23533028; PubMed 25149956; PubMed 30031152.